The following is an entry in ClinVar:

NM_020911.2(PLXNA4):c.3668C>T (p.Pro1223Leu)

Gene: PLXNA4 (plexin A4; minus strand). Cytogenetic location: 7q32.3.
Variant type: single nucleotide variant.
Coding change: c.3668C>T on transcript NM_020911.2 (MANE Select); coding-DNA position 3668, C replaced by T.
Protein change: p.Pro1223Leu; replaces proline 1223 with leucine.
Molecular consequence: missense variant.
Genome position (GRCh38, 1-based): chr7:132,179,893, G>A on the plus strand (C>T on the coding strand, the complement: PLXNA4 is on the minus strand). VCF-style: chr7-132179893-G-A. GRCh37 (hg19) VCF-style: chr7-131864652-G-A.
Other names: c.3668C>T, p.Pro1223Leu (NM_001393897.1); short protein forms P1223L.
Identifiers: ClinVar variation 3355466 (VCV003355466.1).
Genomic context (GRCh38, chr7:132,179,893, plus strand): 5'-GCGATGCTGACGATGGCGGGCAGGCTGAGCGGGCTGTCCGGGGCAATGTACACCATCCCC[G>A]GGGAGTACTCCATGCCACCGACACGGGCCTGGGGGCACACAGGGCAAGAGGGAGCTGGGT-3'
Protein context (NP_065962.1, residues 1213-1233): MARVGGMEYS[Pro1223Leu]GMVYIAPDSP

ClinVar aggregate classification (germline): Uncertain significance (0 of 4 stars; one submission).

Conditions:
PLXNA4-related disorder. Also called: PLXNA4-related condition.

gnomAD v4.1: 18 of 1,610,806 alleles (0.0011%); highest among the groups gnomAD compares: Admixed American, 0.0017%; no homozygotes.

Submission:

PreventionGenetics, part of Exact Sciences
Classification: Uncertain significance for PLXNA4-related condition. Last evaluated: 2024-08-30. Review status: no assertion criteria provided. Collection method: clinical testing. Allele origin: germline.
Comment: The PLXNA4 c.3668C>T variant is predicted to result in the amino acid substitution p.Pro1223Leu. To our knowledge, this variant has not been reported in the literature. This variant is reported in 0.0029% of alleles in individuals of Latino descent in gnomAD. At this time, the clinical significance of this variant is uncertain due to the absence of conclusive functional and genetic evidence.